The following is an entry in ClinVar:

NM_173537.5(GTF2IRD2):c.1378T>C (p.Tyr460His)

Genes: GTF2IRD2 (GTF2I repeat domain containing 2; minus strand), LOC106029312 (Williams-Beuren syndrome medial block B recombination region; plus strand). Cytogenetic location: 7q11.23.
Variant type: single nucleotide variant.
Coding change: c.1378T>C on transcript NM_173537.5 (MANE Select); coding-DNA position 1378, T replaced by C.
Protein change: p.Tyr460His; replaces tyrosine 460 with histidine.
Molecular consequence: missense variant. On other transcripts: 3 prime UTR variant (1), non-coding transcript variant (8).
Genome position (GRCh38, 1-based): chr7:74,798,134, A>G on the plus strand (T>C on the coding strand, the complement: GTF2IRD2 is on the minus strand). VCF-style: chr7-74798134-A-G. GRCh37 (hg19) VCF-style: chr7-74212473-A-G.
Other names: c.1864T>C, p.Tyr622His (NM_001368300.2); c.1393T>C, p.Tyr465His (NM_001388079.1); c.1312T>C, p.Tyr438His (NM_001388080.1); c.1300T>C, p.Tyr434His (NM_001388081.1); c.1243T>C, p.Tyr415His (NM_001388082.1); c.1165T>C, p.Tyr389His (NM_001388083.1, NM_001388084.1); c.883T>C, p.Tyr295His (NM_001388085.1); c.802T>C, p.Tyr268His (NM_001388086.1); and 5 more; short protein forms I254T, I280T, I450T, Y268H, Y295H, Y389H, Y415H, Y434H.
Identifiers: ClinVar variation 4821732 (VCV004821732.4).

ClinVar aggregate classification (germline): Likely benign (1 of 4 stars; one submission).

Submission:

CeGaT Center for Human Genetics Tuebingen
Classification: Likely benign. Last evaluated: 2026-02-01. Review status: criteria provided, single submitter. Criteria: CeGaT Center For Human Genetics Tuebingen Variant Classification Criteria Version 2. Collection method: clinical testing. Allele origin: germline. Affected: yes. Observed: 1 variant allele.
Comment: GTF2IRD2: BS2